The following is an entry in ClinVar:

NM_000404.4(GLB1):c.858C>T (p.Thr286=)

Gene: GLB1 (galactosidase beta 1; minus strand). Cytogenetic location: 3p22.3.
Variant type: single nucleotide variant.
Coding change: c.858C>T on transcript NM_000404.4 (MANE Select); coding-DNA position 858, C replaced by T.
Protein change: p.Thr286=; no amino-acid change (threonine 286 retained).
Molecular consequence: synonymous variant.
Genome position (GRCh38, 1-based): chr3:33,051,939, G>A on the plus strand (C>T on the coding strand, the complement: GLB1 is on the minus strand). VCF-style: chr3-33051939-G-A. GRCh37 (hg19) VCF-style: chr3-33093431-G-A.
Other names: c.768C>T, p.Thr256= (NM_001079811.3); c.465C>T, p.Thr155= (NM_001135602.3); c.1002C>T, p.Thr334= (NM_001317040.2); c.858C>T, p.Thr286= (NM_001393580.1).
Identifiers: ClinVar variation 256027 (VCV000256027.32), dbSNP rs770638519, ClinGen allele CA2299578.

ClinVar aggregate classification (germline): Likely benign. Review status: criteria provided, multiple submitters, no conflicts (2 of 4 stars). 6 submissions from 6 submitters: Likely benign (5). 1 of the submissions does not count toward it. Last evaluated 2026-04-01.

Conditions:
GM1 gangliosidosis. Identifiers: Orphanet 354, MedGen C0085131, MONDO:0018149.
Mucopolysaccharidosis, MPS-IV-B (MPS4B). Also called: Mucopolysaccharidosis type 4B; Mucopolysaccharidosis type IVB (Morquio); MPS IVB; MORQUIO SYNDROME B; Mucopolysaccharidosis type IV B; Mucopolysaccharidosis Type IVB. Identifiers: Orphanet 309310, Orphanet 582, MedGen C0086652, MONDO:0009660, OMIM 253010.
Infantile GM1 gangliosidosis. Also called: GM1-gangliosidosis, type I; Gangliosidosis, generalized GM1, infantile form; GLB1 deficiency; GM1 gangliosidosis type 1; Gangliosidosis, Generalized GM1, Type 1. Identifiers: Orphanet 354, Orphanet 79255, MedGen C0268271, MONDO:0009260, OMIM 230500.
GM1 gangliosidosis type 3. Also called: GM1-GANGLIOSIDOSIS, TYPE III; GANGLIOSIDOSIS, GENERALIZED GM1, ADULT TYPE; GANGLIOSIDOSIS, GENERALIZED GM1, CHRONIC TYPE; GANGLIOSIDOSIS, GENERALIZED GM1, TYPE III; Beta-galactosidase deficiency; Adult GM1 gangliosidosis. Identifiers: Orphanet 79257, MedGen C0268273, MONDO:0009262, OMIM 230650.
GM1 gangliosidosis type 2. Also called: GM1-GANGLIOSIDOSIS, TYPE II; GANGLIOSIDOSIS, GENERALIZED GM1, JUVENILE TYPE; GANGLIOSIDOSIS, GENERALIZED GM1, TYPE II; Juvenile GM>1< gangliosidosis; Gangliosidosis, Generalized GM1, Type 2. Identifiers: Orphanet 354, Orphanet 79256, MedGen C0268272, MONDO:0009261, OMIM 230600.

Allele frequency attached by ClinVar (database versions not stated): ExAC 0.00002; gnomAD 0.00002; gnomAD exomes 0.00002; TOPMed 0.00002.
gnomAD v4.1: 42 of 1,614,076 alleles (0.0026%); highest among the groups gnomAD compares: South Asian, 0.011%; no homozygotes.

Submissions (6):

CeGaT Center for Human Genetics Tuebingen
Classification: Likely benign. Last evaluated: 2026-04-01. Review status: criteria provided, single submitter. Criteria: CeGaT Center For Human Genetics Tuebingen Variant Classification Criteria Version 2. Collection method: clinical testing. Allele origin: germline. Affected: yes. Observed: 2 variant alleles.
Comment: GLB1: BP4, BP7

Labcorp Genetics (formerly Invitae), Labcorp
Classification: Likely benign for Mucopolysaccharidosis, MPS-IV-B; GM1 gangliosidosis. Last evaluated: 2025-05-29. Review status: criteria provided, single submitter. Criteria: Invitae Variant Classification Sherloc (09022015). Collection method: clinical testing. Allele origin: germline.

Blueprint Genetics
Classification: Likely benign. Last evaluated: 2024-09-05. Review status: criteria provided, single submitter. Criteria: ACMG Guidelines, 2015. Collection method: clinical testing. Allele origin: germline.

GeneDx
Classification: Likely benign. Last evaluated: 2016-10-19. Review status: criteria provided, single submitter. Criteria: GeneDx Variant Classification (06012015). Collection method: clinical testing. Allele origin: germline. Affected: yes.
Comment: This variant is considered likely benign or benign based on one or more of the following criteria: it is a conservative change, it occurs at a poorly conserved position in the protein, it is predicted to be benign by multiple in silico algorithms, and/or has population frequency not consistent with disease.

PreventionGenetics, part of Exact Sciences
Classification: Likely benign. Review status: criteria provided, single submitter. Criteria: ACMG Guidelines, 2015. Collection method: clinical testing. Allele origin: germline.

Counsyl
Classification: Likely benign for Infantile GM1 gangliosidosis; GM1 gangliosidosis type 2; GM1 gangliosidosis type 3; Mucopolysaccharidosis, MPS-IV-B. Last evaluated: 2017-05-23. Review status: no assertion criteria provided. Collection method: clinical testing. Allele origin: unknown. Not counted in ClinVar's aggregate classification.

Literature cited by the submitters: PubMed 21497194 (cited by Counsyl).